The following is an entry in ClinVar:

NM_023110.3(FGFR1):c.-21A>G

Gene: FGFR1 (fibroblast growth factor receptor 1; minus strand). Cytogenetic location: 8p11.23.
Variant type: single nucleotide variant.
Coding change: c.-21A>G on transcript NM_023110.3 (MANE Select); 21 bases upstream of the start codon, A replaced by G.
Molecular consequence: 5 prime UTR variant. On other transcripts: missense variant (1).
Genome position (GRCh38, 1-based): chr8:38,457,467, T>C on the plus strand (A>G on the coding strand, the complement: FGFR1 is on the minus strand). VCF-style: chr8-38457467-T-C. GRCh37 (hg19) VCF-style: chr8-38314985-T-C.
Other names: c.-21A>G (NM_000604.2, NM_001174063.2, NM_001174065.2 and 9 more transcripts); c.-113A>G (NM_001174064.2); c.79A>G, p.Thr27Ala (NM_001174067.2); short protein forms T27A.
Identifiers: ClinVar variation 3057642 (VCV003057642.2), dbSNP rs376018211, ClinGen allele CA4718961.
Genomic context (GRCh38, chr8:38,457,467, plus strand): 5'-CCAGCACAGCCCAGAAGAGGAGGCACTTCCAGCTCCACATCCCAGTTCTGCAGTTAGAGG[T>C]TGGTGACAAGGCTCCACATCTCCATGGATACTCCACAGTGAGCTCGATCCTCCTTTTCAA-3'

ClinVar aggregate classification (germline): Likely benign (0 of 4 stars; one submission).

Conditions:
FGFR1-related disorder. Also called: FGFR1-related disorders; FGFR1-related condition. Identifiers: MedGen CN380097.

Allele frequency attached by ClinVar (database versions not stated): TOPMed below 0.00001; 1000 Genomes Project 30x 0.00078; 1000 Genomes Project 0.00100.
gnomAD v4.1: 59 of 1,613,524 alleles (0.0037%); highest among the groups gnomAD compares: South Asian, 0.058%; 3 homozygotes.

Submission:

PreventionGenetics, part of Exact Sciences
Classification: Likely benign for FGFR1-related condition. Last evaluated: 2023-04-13. Review status: no assertion criteria provided. Collection method: clinical testing. Allele origin: germline.
Comment: This variant is classified as likely benign based on ACMG/AMP sequence variant interpretation guidelines (Richards et al. 2015 PMID: 25741868, with internal and published modifications).